The following is an entry in ClinVar:

NM_001003800.2(BICD2):c.1234_1236del (p.Asn412del)

Gene: BICD2 (BICD cargo adaptor 2; minus strand). Cytogenetic location: 9q22.31.
Variant type: Deletion.
Coding change: c.1234_1236del on transcript NM_001003800.2 (MANE Select); coding-DNA positions 1234 to 1236, 3 bases deleted (AAC; older notation c.1234_1236delAAC).
Protein change: p.Asn412del; deletes asparagine 412.
Genome position (GRCh38, 1-based): chr9:92,719,409-92,719,411, GTT deleted on the plus strand (AAC on the coding strand, the reverse complement: BICD2 is on the minus strand); deleting any 3 consecutive bases within chr9:92,719,409-92,719,413 gives the same sequence; the c. name uses the placement nearest the transcript's 3' end. VCF-style (leftmost placement, unchanged base first): chr9-92719408-CGTT-C. GRCh37 (hg19) VCF-style: chr9-95481690-CGTT-C.
Other names: c.1234_1236del, p.Asn412del (NM_015250.4); short protein forms N412del.
Identifiers: ClinVar variation 3637411 (VCV003637411.2).
Genomic context (GRCh38, chr9:92,719,408, plus strand): 5'-CAGGCCCGTTGATGTCCACCTCGTAGTAGTCCCCATCCTCATGGCTGTCACGGTCCTTCT[CGTT>C]GTCCAGGGCTGTCTGCCGCTCCTTGCTGGCCTGCAGGCGCCGCAGGGCACTCAGATTCTC-3'

ClinVar aggregate classification (germline): Uncertain significance (1 of 4 stars; one submission).

Conditions:
Autosomal dominant childhood-onset proximal spinal muscular atrophy with contractures (SMALED2A). Also called: SPINAL MUSCULAR ATROPHY, LOWER EXTREMITY-PREDOMINANT, 2A, CHILDHOOD ONSET, AUTOSOMAL DOMINANT; Spinal muscular atrophy, lower extremity-predominant, 2A, autosomal dominant. Identifiers: Orphanet 363447, Orphanet 363454, MedGen C4747715, MONDO:0014121, OMIM 615290.

Submission:

Labcorp Genetics (formerly Invitae), Labcorp
Classification: Uncertain significance for Autosomal dominant childhood-onset proximal spinal muscular atrophy with contractures. Last evaluated: 2024-03-26. Review status: criteria provided, single submitter. Criteria: Invitae Variant Classification Sherloc (09022015). Collection method: clinical testing. Allele origin: germline.
Comment: This variant, c.1234_1236del, results in the deletion of 1 amino acid(s) of the BICD2 protein (p.Asn412del), but otherwise preserves the integrity of the reading frame. This variant is present in population databases (no rsID available, gnomAD 0.0009%). This variant has not been reported in the literature in individuals affected with BICD2-related conditions. Experimental studies and prediction algorithms are not available or were not evaluated, and the functional significance of this variant is currently unknown. In summary, the available evidence is currently insufficient to determine the role of this variant in disease. Therefore, it has been classified as a Variant of Uncertain Significance.